The following is an entry in ClinVar:

NM_004690.4(LATS1):c.2547C>T (p.Leu849=)

Gene: LATS1 (large tumor suppressor kinase 1; minus strand). Cytogenetic location: 6q25.1.
Variant type: single nucleotide variant.
Coding change: c.2547C>T on transcript NM_004690.4 (MANE Select); coding-DNA position 2547, C replaced by T.
Protein change: p.Leu849=; no amino-acid change (leucine 849 retained).
Molecular consequence: synonymous variant. On other transcripts: non-coding transcript variant (1).
Genome position (GRCh38, 1-based): chr6:149,679,921, G>A on the plus strand (C>T on the coding strand, the complement: LATS1 is on the minus strand). VCF-style: chr6-149679921-G-A. GRCh37 (hg19) VCF-style: chr6-150001057-G-A.
Other names: c.2232C>T, p.Leu744= (NM_001350339.2, NM_001350340.2); c.1707C>T, p.Leu569= (NM_001350392.2).
Identifiers: ClinVar variation 2656991 (VCV002656991.24), dbSNP rs56382749, ClinGen allele CA4043437.

ClinVar aggregate classification (germline): Likely benign (1 of 4 stars; one submission).

Allele frequency attached by ClinVar (database versions not stated): gnomAD exomes 0.00004; gnomAD 0.00008; TOPMed 0.00014; ExAC 0.00022; 1000 Genomes Project 0.00040; 1000 Genomes Project 30x 0.00047.
gnomAD v4.1: 133 of 1,612,748 alleles (0.0082%); highest among the groups gnomAD compares: Middle Eastern, 0.13%; 2 homozygotes.

Submission:

CeGaT Center for Human Genetics Tuebingen
Classification: Likely benign. Last evaluated: 2023-04-01. Review status: criteria provided, single submitter. Criteria: CeGaT Center For Human Genetics Tuebingen Variant Classification Criteria Version 2. Collection method: clinical testing. Allele origin: germline. Affected: yes. Observed: 1 variant allele.
Comment: LATS1: BP4, BP7